The following is an entry in ClinVar:

ClinVar aggregate classification (germline): Likely benign. Review status: criteria provided, multiple submitters, no conflicts (2 of 4 stars). 4 submissions from 4 submitters: Likely benign (4). Last evaluated 2025-11-23.

Conditions:
Cardiovascular phenotype. Identifiers: MedGen CN230736.
Atrial septal defect 5 (ASD5). Identifiers: Orphanet 1478, MedGen C2748552, MONDO:0013011, OMIM 612794.
Dilated cardiomyopathy 1R (CMD1R). Identifiers: Orphanet 154, Orphanet 54260, MedGen C3150681, MONDO:0013261, OMIM 613424.
Hypertrophic cardiomyopathy 11. Also called: ACTC1-Related Familial Hypertrophic Cardiomyopathy. Identifiers: MedGen C2677506, MONDO:0012799, OMIM 612098.
Hypertrophic cardiomyopathy. Also called: HYPERTROPHIC MYOCARDIOPATHY. Identifiers: Orphanet 217569, MedGen C0007194, MeSH D002312, MONDO:0005045, HP:0001639.
Cardiomyopathy (CMYO). Also called: Cardiomyopathies. Identifiers: Orphanet 167848, MedGen C0878544, MONDO:0004994, HP:0001638. Inheritance: Various modes of inheritance.

Allele frequency attached by ClinVar (database versions not stated): gnomAD 0.00001; TOPMed 0.00003.
gnomAD v4.1: 7 of 1,614,020 alleles (0.00043%); highest among the groups gnomAD compares: African/African-American, 0.0093%; no homozygotes.

Submissions (4):

Labcorp Genetics (formerly Invitae), Labcorp
Classification: Likely benign for Dilated cardiomyopathy 1R; Hypertrophic cardiomyopathy 11; Atrial septal defect 5. Last evaluated: 2025-11-23. Review status: criteria provided, single submitter. Criteria: Invitae Variant Classification Sherloc (09022015). Collection method: clinical testing. Allele origin: germline.

All of Us Research Program, National Institutes of Health
Classification: Likely benign for Hypertrophic cardiomyopathy. Last evaluated: 2024-01-11. Review status: criteria provided, single submitter. Criteria: ACMG Guidelines, 2015. Collection method: clinical testing. Allele origin: germline. Inheritance: Autosomal dominant inheritance. Observed: 3 variant alleles, 3 heterozygotes.
Comment: This study involves interpretation of variants in research participants for the purpose of population health screening. Participant phenotype was not available at the time of variant classification. Additional details can be found in publication PMID: 35346344, PMCID: PMC8962531

Color Diagnostics, LLC DBA Color Health
Classification: Likely benign for Cardiomyopathy. Last evaluated: 2022-05-20. Review status: criteria provided, single submitter. Criteria: ACMG Guidelines, 2015. Collection method: clinical testing. Allele origin: germline.

Ambry Genetics
Classification: Likely benign for Cardiovascular phenotype. Last evaluated: 2019-11-13. Review status: criteria provided, single submitter. Criteria: Ambry Variant Classification Scheme 2023. Collection method: clinical testing. Allele origin: germline.

NM_005159.5(ACTC1):c.423G>A (p.Val141=)

Genes: GJD2-DT (GJD2 divergent transcript; plus strand), ACTC1 (actin alpha cardiac muscle 1; minus strand). Cytogenetic location: 15q14.
Variant type: single nucleotide variant.
Coding change: c.423G>A on transcript NM_005159.5 (MANE Select); coding-DNA position 423, G replaced by A.
Protein change: p.Val141=; no amino-acid change (valine 141 retained).
Molecular consequence: synonymous variant.
Genome position (GRCh38, 1-based): chr15:34,793,276, C>T on the plus strand (G>A on the coding strand, the complement: ACTC1 is on the minus strand). VCF-style: chr15-34793276-C-T. GRCh37 (hg19) VCF-style: chr15-35085477-C-T.
Other names: c.423G>A (LRG_388t1).
Identifiers: ClinVar variation 478616 (VCV000478616.12), dbSNP rs922191208, ClinGen allele CA268663301.
Genomic context (GRCh38, chr15:34,793,276, plus strand): 5'-TCAGTAACTGTCCCCAGAGCCCAGCATACCTGTGGTACGGCCAGAAGCATACAGGGATAG[C>T]ACTGCCTGGATGGCCACGTACATGGCAGGGACATTGAAGGTCTCAAACATGATCTGAGTC-3'
Protein context (NP_005150.1, residues 131-151): VPAMYVAIQA[Val141=]LSLYASGRTT